The following is an entry in ClinVar:

NM_001105206.3(LAMA4):c.2168A>G (p.Glu723Gly)

Gene: LAMA4 (laminin subunit alpha 4; minus strand). Cytogenetic location: 6q21.
Variant type: single nucleotide variant.
Coding change: c.2168A>G on transcript NM_001105206.3 (MANE Select); coding-DNA position 2168, A replaced by G.
Protein change: p.Glu723Gly; replaces glutamic acid 723 with glycine.
Molecular consequence: missense variant.
Genome position (GRCh38, 1-based): chr6:112,150,516, T>C on the plus strand (A>G on the coding strand, the complement: LAMA4 is on the minus strand). VCF-style: chr6-112150516-T-C. GRCh37 (hg19) VCF-style: chr6-112471718-T-C.
Other names: c.2147A>G, p.Glu716Gly (NM_001105207.3, NM_002290.5); short protein forms E723G, E716G.
Identifiers: ClinVar variation 1786660 (VCV001786660.2), dbSNP rs573947632, ClinGen allele CA3965575.

ClinVar aggregate classification (germline): Uncertain significance (1 of 4 stars; one submission).

Conditions:
Cardiovascular phenotype. Identifiers: MedGen CN230736.

Allele frequency attached by ClinVar (database versions not stated): gnomAD exomes below 0.00001; ExAC 0.00001; gnomAD 0.00001; 1000 Genomes Project 30x 0.00016; 1000 Genomes Project 0.00020.
gnomAD v4.1: 6 of 1,599,924 alleles (0.00038%); highest among the groups gnomAD compares: South Asian, 0.0011%; no homozygotes.

Submission:

Ambry Genetics
Classification: Uncertain significance for Cardiovascular phenotype. Last evaluated: 2021-12-18. Review status: criteria provided, single submitter. Criteria: Ambry Variant Classification Scheme 2023. Collection method: clinical testing. Allele origin: germline.
Comment: The p.E716G variant (also known as c.2147A>G), located in coding exon 16 of the LAMA4 gene, results from an A to G substitution at nucleotide position 2147. The glutamic acid at codon 716 is replaced by glycine, an amino acid with similar properties. This amino acid position is conserved. In addition, this alteration is predicted to be tolerated by in silico analysis. Since supporting evidence is limited at this time, the clinical significance of this alteration remains unclear.